The following is an entry in ClinVar:

NM_033026.6(PCLO):c.9689G>A (p.Arg3230His)

Gene: PCLO (piccolo presynaptic cytomatrix protein; minus strand). Cytogenetic location: 7q21.11.
Variant type: single nucleotide variant.
Coding change: c.9689G>A on transcript NM_033026.6 (MANE Select); coding-DNA position 9689, G replaced by A.
Protein change: p.Arg3230His; replaces arginine 3230 with histidine.
Molecular consequence: missense variant.
Genome position (GRCh38, 1-based): chr7:82,950,899, C>T on the plus strand (G>A on the coding strand, the complement: PCLO is on the minus strand). VCF-style: chr7-82950899-C-T. GRCh37 (hg19) VCF-style: chr7-82580215-C-T.
Other names: c.9689G>A, p.Arg3230His (NM_014510.3); c.9689G>A (NM_033026.5); short protein forms R3230H.
Identifiers: ClinVar variation 1432979 (VCV001432979.6), dbSNP rs370188023, ClinGen allele CA4319866.

ClinVar aggregate classification (germline): Uncertain significance. Review status: criteria provided, multiple submitters, no conflicts (2 of 4 stars). 2 submissions from 2 submitters: Uncertain significance (2). Last evaluated 2022-09-13.

Conditions:
Inborn genetic diseases. Identifiers: MedGen C0950123, MeSH D030342.

Allele frequency attached by ClinVar (database versions not stated): gnomAD 0.00004 and 0.00006; gnomAD exomes 0.00005 and 0.00008; ExAC 0.00007; ESP Exome Variant Server 0.00008.
gnomAD v4.1: 84 of 1,613,282 alleles (0.0052%); highest among the groups gnomAD compares: South Asian, 0.054%; no homozygotes.

Submissions (2):

Labcorp Genetics (formerly Invitae), Labcorp
Classification: Uncertain significance. Last evaluated: 2022-09-13. Review status: criteria provided, single submitter. Criteria: Invitae Variant Classification Sherloc (09022015). Collection method: clinical testing. Allele origin: germline.
Comment: This sequence change replaces arginine, which is basic and polar, with histidine, which is basic and polar, at codon 3230 of the PCLO protein (p.Arg3230His). This variant is present in population databases (rs370188023, gnomAD 0.05%). This variant has not been reported in the literature in individuals affected with PCLO-related conditions. ClinVar contains an entry for this variant (Variation ID: 1432979). Algorithms developed to predict the effect of missense changes on protein structure and function are either unavailable or do not agree on the potential impact of this missense change (SIFT: "Tolerated"; PolyPhen-2: "Not Available"; Align-GVGD: "Class C0"). In summary, the available evidence is currently insufficient to determine the role of this variant in disease. Therefore, it has been classified as a Variant of Uncertain Significance.

Ambry Genetics
Classification: Uncertain significance for Inborn genetic diseases. Last evaluated: 2021-08-13. Review status: criteria provided, single submitter. Criteria: Ambry Variant Classification Scheme 2023. Collection method: clinical testing. Allele origin: germline.